The following is an entry in ClinVar:

ClinVar aggregate classification (germline): Uncertain significance (0 of 4 stars; one submission).

Conditions:
BBS2-related disorder. Also called: BBS2-related disorders; BBS2-related condition. Identifiers: MedGen CN239228.

gnomAD v4.1: 4 of 1,614,194 alleles (0.00025%); highest among the groups gnomAD compares: Non-Finnish European, 0.00034%; no homozygotes.

Submission:

PreventionGenetics, part of Exact Sciences
Classification: Uncertain significance for BBS2-related condition. Last evaluated: 2023-11-29. Review status: no assertion criteria provided. Collection method: clinical testing. Allele origin: germline.
Comment: The BBS2 c.1154C>T variant is predicted to result in the amino acid substitution p.Thr385Ile. To our knowledge, this variant has not been reported in the literature or in a large population database, indicating this variant is rare. At this time, the clinical significance of this variant is uncertain due to the absence of conclusive functional and genetic evidence.

NM_031885.5(BBS2):c.1154C>T (p.Thr385Ile)

Gene: BBS2 (Bardet-Biedl syndrome 2; minus strand). Cytogenetic location: 16q13.
Variant type: single nucleotide variant.
Coding change: c.1154C>T on transcript NM_031885.5 (MANE Select); coding-DNA position 1154, C replaced by T.
Protein change: p.Thr385Ile; replaces threonine 385 with isoleucine.
Molecular consequence: missense variant. On other transcripts: non-coding transcript variant (5).
Genome position (GRCh38, 1-based): chr16:56,501,424, G>A on the plus strand (C>T on the coding strand, the complement: BBS2 is on the minus strand). VCF-style: chr16-56501424-G-A. GRCh37 (hg19) VCF-style: chr16-56535336-G-A.
Other names: c.1154C>T, p.Thr385Ile (NM_001377456.1); short protein forms T385I.
Identifiers: ClinVar variation 3354600 (VCV003354600.1).